The following is an entry in ClinVar:

NM_006269.2(RP1):c.6359G>T (p.Arg2120Ile)

Gene: RP1 (RP1 axonemal microtubule associated; plus strand). Cytogenetic location: 8q12.1.
Variant type: single nucleotide variant.
Coding change: c.6359G>T on transcript NM_006269.2 (MANE Select); coding-DNA position 6359, G replaced by T.
Protein change: p.Arg2120Ile; replaces arginine 2120 with isoleucine.
Molecular consequence: missense variant. On other transcripts: intron variant (1).
Genome position (GRCh38, 1-based): chr8:54,630,241, G>T. VCF-style: chr8-54630241-G-T. GRCh37 (hg19) VCF-style: chr8-55542801-G-T.
Other names: c.787+7953G>T (NM_001375654.1); short protein forms R2120I.
Identifiers: ClinVar variation 1901004 (VCV001901004.5), dbSNP rs1231317599, ClinGen allele CA370991899.

ClinVar aggregate classification (germline): Uncertain significance (1 of 4 stars; one submission).

Allele frequency attached by ClinVar (database versions not stated): TOPMed below 0.00001; gnomAD 0.00001.
gnomAD v4.1: 25 of 1,613,476 alleles (0.0015%); highest among the groups gnomAD compares: Non-Finnish European, 0.0019%; no homozygotes.

Submission:

Labcorp Genetics (formerly Invitae), Labcorp
Classification: Uncertain significance. Last evaluated: 2024-10-30. Review status: criteria provided, single submitter. Criteria: Invitae Variant Classification Sherloc (09022015). Collection method: clinical testing. Allele origin: germline.
Comment: This sequence change replaces arginine, which is basic and polar, with isoleucine, which is neutral and non-polar, at codon 2120 of the RP1 protein (p.Arg2120Ile). This variant is present in population databases (no rsID available, gnomAD 0.0009%). This variant has not been reported in the literature in individuals affected with RP1-related conditions. ClinVar contains an entry for this variant (Variation ID: 1901004). An algorithm developed to predict the effect of missense changes on protein structure and function (PolyPhen-2) suggests that this variant is likely to be disruptive. In summary, the available evidence is currently insufficient to determine the role of this variant in disease. Therefore, it has been classified as a Variant of Uncertain Significance.